The following is an entry in ClinVar:

ClinVar aggregate classification (germline): Uncertain significance (1 of 4 stars; one submission).

Conditions:
RECQL5-related disorder. Also called: RECQL5-related condition.

Allele frequency attached by ClinVar (database versions not stated): gnomAD exomes 0.00004; TOPMed 0.00005; ESP Exome Variant Server 0.00008; ExAC 0.00009; gnomAD 0.00009; 1000 Genomes Project 0.00060; 1000 Genomes Project 30x 0.00062.
gnomAD v4.1: 80 of 1,614,148 alleles (0.005%); highest among the groups gnomAD compares: Middle Eastern, 0.033%; no homozygotes.

Submission:

PreventionGenetics, part of Exact Sciences
Classification: Uncertain significance for RECQL5-related condition. Last evaluated: 2022-11-28. Review status: criteria provided, single submitter. Criteria: ACMG Guidelines, 2015. Collection method: clinical testing. Allele origin: germline.
Comment: The RECQL5 c.2728G>A variant is predicted to result in the amino acid substitution p.Val910Ile. To our knowledge, this variant has not been reported in the literature. This variant is reported in 0.024% of alleles in individuals of European (Finnish) descent in gnomAD. At this time, the clinical significance of this variant is uncertain due to the absence of conclusive functional and genetic evidence.

NM_004259.7(RECQL5):c.2728G>A (p.Val910Ile)

Gene: RECQL5 (RecQ like helicase 5; minus strand). Cytogenetic location: 17q25.1.
Variant type: single nucleotide variant.
Coding change: c.2728G>A on transcript NM_004259.7 (MANE Select); coding-DNA position 2728, G replaced by A.
Protein change: p.Val910Ile; replaces valine 910 with isoleucine.
Molecular consequence: missense variant.
Genome position (GRCh38, 1-based): chr17:75,628,295, C>T on the plus strand (G>A on the coding strand, the complement: RECQL5 is on the minus strand). VCF-style: chr17-75628295-C-T. GRCh37 (hg19) VCF-style: chr17-73624375-C-T.
Other names: short protein forms V910I.
Identifiers: ClinVar variation 2634631 (VCV002634631.1), dbSNP rs189805934, ClinGen allele CA8766948.